The following is an entry in ClinVar:

NM_001291303.3(FAT4):c.1778T>C (p.Val593Ala)

Gene: FAT4 (FAT atypical cadherin 4; plus strand). Cytogenetic location: 4q28.1.
Variant type: single nucleotide variant.
Coding change: c.1778T>C on transcript NM_001291303.3 (MANE Select); coding-DNA position 1778, T replaced by C.
Protein change: p.Val593Ala; replaces valine 593 with alanine.
Molecular consequence: missense variant.
Genome position (GRCh38, 1-based): chr4:125,318,189, T>C. VCF-style: chr4-125318189-T-C. GRCh37 (hg19) VCF-style: chr4-126239344-T-C.
Other names: c.1778T>C, p.Val593Ala (NM_001291285.3, NM_024582.6); short protein forms V593A.
Identifiers: ClinVar variation 1714942 (VCV001714942.3), dbSNP rs749993996, ClinGen allele CA3072050.

ClinVar aggregate classification (germline): Uncertain significance (1 of 4 stars; one submission).

Allele frequency attached by ClinVar (database versions not stated): gnomAD exomes below 0.00001; ExAC 0.00001.
gnomAD v4.1: 2 of 1,614,146 alleles (0.00012%); highest among the groups gnomAD compares: South Asian, 0.0011%; no homozygotes.

Submission:

Labcorp Genetics (formerly Invitae), Labcorp
Classification: Uncertain significance. Last evaluated: 2022-11-01. Review status: criteria provided, single submitter. Criteria: Invitae Variant Classification Sherloc (09022015). Collection method: clinical testing. Allele origin: germline.
Comment: This sequence change replaces valine, which is neutral and non-polar, with alanine, which is neutral and non-polar, at codon 593 of the FAT4 protein (p.Val593Ala). This variant is present in population databases (rs749993996, gnomAD 0.003%). This variant has not been reported in the literature in individuals affected with FAT4-related conditions. Advanced modeling of protein sequence and biophysical properties (such as structural, functional, and spatial information, amino acid conservation, physicochemical variation, residue mobility, and thermodynamic stability) performed at Invitae indicates that this missense variant is not expected to disrupt FAT4 protein function. In summary, the available evidence is currently insufficient to determine the role of this variant in disease. Therefore, it has been classified as a Variant of Uncertain Significance.